The following is an entry in ClinVar:

NM_006379.5(SEMA3C):c.1034T>C (p.Ile345Thr)

Gene: SEMA3C (semaphorin 3C; minus strand). Cytogenetic location: 7q21.11.
Variant type: single nucleotide variant.
Coding change: c.1034T>C on transcript NM_006379.5 (MANE Select); coding-DNA position 1034, T replaced by C.
Protein change: p.Ile345Thr; replaces isoleucine 345 with threonine.
Molecular consequence: missense variant.
Genome position (GRCh38, 1-based): chr7:80,798,189, A>G on the plus strand (T>C on the coding strand, the complement: SEMA3C is on the minus strand). VCF-style: chr7-80798189-A-G. GRCh37 (hg19) VCF-style: chr7-80427505-A-G.
Other names: c.1088T>C, p.Ile363Thr (NM_001350120.2); c.860T>C, p.Ile287Thr (NM_001350121.2); short protein forms I287T, I345T, I363T.
Identifiers: ClinVar variation 2629085 (VCV002629085.3), dbSNP rs757475271, ClinGen allele CA4316236.

ClinVar aggregate classification (germline): Uncertain significance (1 of 4 stars; one submission).

Conditions:
SEMA3C-related disorder. Also called: SEMA3C-related condition.

Allele frequency attached by ClinVar (database versions not stated): gnomAD 0.00001; TOPMed 0.00003; ExAC 0.00004; gnomAD exomes 0.00007.
gnomAD v4.1: 97 of 1,590,566 alleles (0.0061%); highest among the groups gnomAD compares: Non-Finnish European, 0.008%; no homozygotes.

Submission:

PreventionGenetics, part of Exact Sciences
Classification: Uncertain significance for SEMA3C-related condition. Last evaluated: 2026-06-16. Review status: criteria provided, single submitter. Criteria: ACMG Guidelines, 2015. Collection method: clinical testing. Allele origin: germline.
Comment: The SEMA3C c.1088T>C variant is predicted to result in the amino acid substitution p.Ile363Thr. To our knowledge, this variant has not been reported in the literature. This variant is reported in 0.0064% of alleles in individuals of East Asian descent in gnomAD. At this time, the clinical significance of this variant is uncertain due to the absence of conclusive functional and genetic evidence.